The following is an entry in ClinVar:

ClinVar aggregate classification (germline): Pathogenic (1 of 4 stars; one submission).

Conditions:
Neurofibromatosis, type 1 (NF1). Also called: VON RECKLINGHAUSEN DISEASE; Neurofibromatosis, type I; Peripheral type neurofibromatosis; NEUROFIBROMATOSIS, TYPE I, SOMATIC. Identifiers: Orphanet 636, MedGen C0027831, MONDO:0018975, OMIM 162200. Disease mechanism: loss of function.

Submission:

Labcorp Genetics (formerly Invitae), Labcorp
Classification: Pathogenic for Neurofibromatosis, type 1. Last evaluated: 2023-09-01. Review status: criteria provided, single submitter. Criteria: Invitae Variant Classification Sherloc (09022015). Collection method: clinical testing. Allele origin: unknown.
Comment: For these reasons, this variant has been classified as Pathogenic. This variant disrupts a region of the NF1 protein in which other variant(s) (p.Ala2716Asp) have been determined to be pathogenic (Invitae). This suggests that this is a clinically significant region of the protein, and that variants that disrupt it are likely to be disease-causing. This variant has not been reported in the literature in individuals affected with NF1-related conditions. This variant is a gross deletion of the genomic region encompassing exon(s) 4-56 of the NF1 gene. While this deletion is not anticipated to lead to nonsense mediated decay, it is expected to disrupt the C-terminus of the protein.

NC_000017.10:g.(?_29490184)_(29687741_?)del

Genes: EVI2A (ecotropic viral integration site 2A; minus strand), EVI2B (ecotropic viral integration site 2B; minus strand), NF1 (neurofibromin 1; plus strand), OMG (oligodendrocyte myelin glycoprotein; minus strand). Cytogenetic location: 17q11.2.
Variant type: Deletion.
Identifiers: ClinVar variation 3242874 (VCV003242874.1).